The following is an entry in ClinVar:

ClinVar aggregate classification (germline): Likely benign (1 of 4 stars; one submission).

Allele frequency attached by ClinVar (database versions not stated): gnomAD 0.00002; gnomAD exomes 0.00002; ExAC 0.00003; ESP Exome Variant Server 0.00008.
gnomAD v4.1: 26 of 1,575,732 alleles (0.0017%); highest among the groups gnomAD compares: Non-Finnish European, 0.0022%; no homozygotes.

Submission:

CeGaT Center for Human Genetics Tuebingen
Classification: Likely benign. Last evaluated: 2022-07-01. Review status: criteria provided, single submitter. Criteria: CeGaT Center For Human Genetics Tuebingen Variant Classification Criteria Version 2. Collection method: clinical testing. Allele origin: germline. Affected: yes. Observed: 1 variant allele.
Comment: TMEM183A: BP4, BP7

NM_138391.6(TMEM183A):c.225C>T (p.Ala75=)

Gene: TMEM183A (transmembrane protein 183A; plus strand). Cytogenetic location: 1q32.1.
Variant type: single nucleotide variant.
Coding change: c.225C>T on transcript NM_138391.6 (MANE Select); coding-DNA position 225, C replaced by T.
Protein change: p.Ala75=; no amino-acid change (alanine 75 retained).
Molecular consequence: synonymous variant. On other transcripts: 5 prime UTR variant (2), non-coding transcript variant (10).
Genome position (GRCh38, 1-based): chr1:203,008,668, C>T. VCF-style: chr1-203008668-C-T. GRCh37 (hg19) VCF-style: chr1-202977796-C-T.
Other names: c.225C>T, p.Ala75= (NM_001322955.2, NM_001322956.2, NM_001322957.2); c.135C>T, p.Ala45= (NM_001322958.2, NM_001322959.2); c.-73C>T (NM_001349859.1, NM_001349862.1).
Identifiers: ClinVar variation 2639812 (VCV002639812.24), dbSNP rs370307729, ClinGen allele CA1336607.